The following is an entry in ClinVar:

ClinVar aggregate classification (germline): Likely benign (1 of 4 stars; one submission).

Conditions:
Papillary renal cell carcinoma type 1 (RCCP1). Also called: Renal adenocarcinoma; Renal cell carcinoma 1; Renal cell carcinoma, somatic; RENAL CELL CARCINOMA, PAPILLARY, 1, SOMATIC. Identifiers: Orphanet 47044, MedGen C1336839, OMIM 605074, HP:0011797.

Submission:

Myriad Genetics, Inc.
Classification: Likely benign for Papillary renal cell carcinoma type 1. Last evaluated: 2024-11-08. Review status: criteria provided, single submitter. Criteria: Myriad Autosomal Dominant, Autosomal Recessive and X-Linked Classification Criteria (2023). Collection method: clinical testing. Allele origin: unknown.
Comment: This variant is considered likely benign. This variant is intronic and is not expected to impact mRNA splicing.

NM_000245.4(MET):c.1863-10_1863-9insC

Gene: MET (MET proto-oncogene, receptor tyrosine kinase; plus strand). Cytogenetic location: 7q31.2.
Variant type: Insertion.
Coding change: c.1863-10_1863-9insC on transcript NM_000245.4 (MANE Select); 10 bases into the intron before coding-DNA position 1863 through 9 bases into the intron before coding-DNA position 1863, C inserted.
Molecular consequence: intron variant.
Genome position: GRCh38 VCF-style: chr7-116757427-T-TC. GRCh37 (hg19) VCF-style: chr7-116397481-T-TC.
Other names: c.1863-10_1863-9insC (NM_001127500.3, NM_001324401.3); c.573-10_573-9insC (NM_001324402.2).
Identifiers: ClinVar variation 3773275 (VCV003773275.1).
Genomic context (GRCh38, chr7:116,757,427, plus strand): 5'-TCCTATAAAACAACCTAACCAGAAAATTCCTTGGATTTGTCATGTATTAAACTTTGGGTT[T>TC]TTTTTCCAGATTGAAATGCACAGTTGGTCCTGCCATGAATAAGCATTTCAATATGTCCAT-3'